The following is an entry in ClinVar:

ClinVar aggregate classification (germline): Conflicting classifications of pathogenicity. Review status: criteria provided, conflicting classifications (1 of 4 stars). 4 submissions from 4 submitters: Uncertain significance (3); Benign (1). Last evaluated 2025-10-09.

Conditions:
Melnick-Needles syndrome (MNS). Also called: MELNICK-NEEDLES OSTEODYSPLASTY; OSTEODYSPLASTY OF MELNICK AND NEEDLES; Melnick-Needles Syndrome (FLNA-MNS). Identifiers: Orphanet 2484, MedGen C0025237, MONDO:0010650, OMIM 309350.
Frontometaphyseal dysplasia (FMD1). Identifiers: MONDO:0015942, Orphanet 1826, MedGen C0265293.
Oto-palato-digital syndrome, type II (OPD2). Also called: Otopalatodigital Syndrome, Type II; FACIOPALATOOSSEOUS SYNDROME; OPD II SYNDROME; Otopalatodigital Syndrome Type 2 (FLNA-OPD2). Identifiers: Orphanet 669, Orphanet 90652, MedGen C1844696, MONDO:0010571, OMIM 304120.
Heterotopia, periventricular, X-linked dominant (PVNH1). Also called: X-linked periventricular heterotopia; PERIVENTRICULAR NODULAR HETEROTOPIA 4; HETEROTOPIA, PERIVENTRICULAR, 1; PERIVENTRICULAR NODULAR HETEROTOPIA 1. Identifiers: Orphanet 2149, Orphanet 82004, MedGen C1848213, MONDO:0010233, OMIM 300049.
Familial thoracic aortic aneurysm and aortic dissection (TAAD). Also called: Thoracic aortic aneurysms and dissections. Identifiers: Orphanet 91387, MedGen C4707243, MONDO:0019625.

Allele frequency attached by ClinVar (database versions not stated): gnomAD exomes 0.00001; ExAC 0.00002; TOPMed 0.00002.
gnomAD v4.1: 9 of 1,211,815 alleles (0.00074%); highest among the groups gnomAD compares: South Asian, 0.0018%; no homozygotes.

Submissions (4):

Women's Health and Genetics/Laboratory Corporation of America, LabCorp
Classification: Uncertain significance. Last evaluated: 2025-10-09. Review status: criteria provided, single submitter. Criteria: LabCorp Variant Classification Summary - May 2015. Collection method: clinical testing. Allele origin: germline.
Comment: Variant summary: FLNA c.6286G>A (p.Asp2096Asn) results in a conservative amino acid change in the encoded protein sequence. Algorithms developed to predict the effect of missense changes on protein structure and function are either unavailable or do not agree on the potential impact of this missense change. The variant allele was found at a frequency of 1.1e-05 in 181670 control chromosomes (gnomAD v2). The available data on variant occurrences in the general population are insufficient to allow any conclusion about variant significance. A total of 3 hemizygotes of this variant was also reported in the gnomAD v4 database. To our knowledge, no occurrence of c.6286G>A in individuals affected with FLNA-related conditions and no experimental evidence demonstrating its impact on protein function have been reported. ClinVar contains an entry for this variant (Variation ID: 1311512). Based on the evidence outlined above, the variant was classified as uncertain significance.

Ambry Genetics
Classification: Uncertain significance for Familial thoracic aortic aneurysm and aortic dissection. Last evaluated: 2025-05-22. Review status: criteria provided, single submitter. Criteria: Ambry Variant Classification Scheme 2023. Collection method: clinical testing. Allele origin: germline.

Labcorp Genetics (formerly Invitae), Labcorp
Classification: Benign for Oto-palato-digital syndrome, type II; Heterotopia, periventricular, X-linked dominant; Frontometaphyseal dysplasia; Melnick-Needles syndrome. Last evaluated: 2023-05-25. Review status: criteria provided, single submitter. Criteria: Invitae Variant Classification Sherloc (09022015). Collection method: clinical testing. Allele origin: germline.

GeneDx
Classification: Uncertain significance. Last evaluated: 2019-09-09. Review status: criteria provided, single submitter. Criteria: GeneDx Variant Classification Process June 2021. Collection method: clinical testing. Allele origin: germline. Affected: yes.
Comment: In silico analysis, which includes protein predictors and evolutionary conservation, supports a deleterious effect; Has not been previously published as pathogenic or benign to our knowledge

NM_001110556.2(FLNA):c.6286G>A (p.Asp2096Asn)

Gene: FLNA (filamin A; minus strand). Cytogenetic location: Xq28.
Variant type: single nucleotide variant.
Coding change: c.6286G>A on transcript NM_001110556.2 (MANE Select); coding-DNA position 6286, G replaced by A.
Protein change: p.Asp2096Asn; replaces aspartic acid 2096 with asparagine.
Molecular consequence: missense variant.
Genome position (GRCh38, 1-based): chrX:154,352,865, C>T on the plus strand (G>A on the coding strand, the complement: FLNA is on the minus strand). VCF-style: chrX-154352865-C-T. GRCh37 (hg19) VCF-style: chrX-153581233-C-T.
Other names: c.6262G>A, p.Asp2088Asn (NM_001456.4); short protein forms D2088N, D2096N.
Identifiers: ClinVar variation 1311512 (VCV001311512.7), dbSNP rs781962577, ClinGen allele CA10560125.